The following is an entry in ClinVar:

ClinVar aggregate classification (germline): Uncertain significance. Review status: criteria provided, multiple submitters, no conflicts (2 of 4 stars). 3 submissions from 3 submitters: Uncertain significance (3). Last evaluated 2025-12-28.

Conditions:
Inborn genetic diseases. Identifiers: MedGen C0950123, MeSH D030342.
PKD1L1-related disorder. Also called: PKD1L1-related condition.

Allele frequency attached by ClinVar (database versions not stated): gnomAD exomes 0.00002; TOPMed 0.00002; ExAC 0.00003; gnomAD 0.00004.

Submissions (3):

PreventionGenetics, part of Exact Sciences
Classification: Uncertain significance for PKD1L1-related condition. Last evaluated: 2025-12-28. Review status: criteria provided, single submitter. Criteria: ACMG Guidelines, 2015. Collection method: clinical testing. Allele origin: germline.
Comment: The PKD1L1 c.3785T>C variant is predicted to result in the amino acid substitution p.Val1262Ala. To our knowledge, this variant has not been reported in the literature. This variant is reported in 0.13% of alleles in individuals of Ashkenazi Jewish descent in gnomAD. Although we suspect that this variant may be benign, at this time, the clinical significance of this variant is uncertain due to the absence of conclusive functional and genetic evidence.

Labcorp Genetics (formerly Invitae), Labcorp
Classification: Uncertain significance. Last evaluated: 2025-11-27. Review status: criteria provided, single submitter. Criteria: Invitae Variant Classification Sherloc (09022015). Collection method: clinical testing. Allele origin: germline.
Comment: This sequence change replaces valine, which is neutral and non-polar, with alanine, which is neutral and non-polar, at codon 1262 of the PKD1L1 protein (p.Val1262Ala). This variant is present in population databases (rs766689754, gnomAD 0.1%). This variant has not been reported in the literature in individuals affected with PKD1L1-related conditions. ClinVar contains an entry for this variant (Variation ID: 2274698). An algorithm developed to predict the effect of missense changes on protein structure and function (PolyPhen-2) suggests that this variant is likely to be disruptive. In summary, the available evidence is currently insufficient to determine the role of this variant in disease. Therefore, it has been classified as a Variant of Uncertain Significance.

Ambry Genetics
Classification: Uncertain significance for Inborn genetic diseases. Last evaluated: 2022-01-31. Review status: criteria provided, single submitter. Criteria: Ambry Variant Classification Scheme 2023. Collection method: clinical testing. Allele origin: germline.

NM_138295.5(PKD1L1):c.3785T>C (p.Val1262Ala)

Gene: PKD1L1 (polycystin 1 like 1, transient receptor potential channel interacting; minus strand). Cytogenetic location: 7p12.3.
Variant type: single nucleotide variant.
Coding change: c.3785T>C on transcript NM_138295.5 (MANE Select); coding-DNA position 3785, T replaced by C.
Protein change: p.Val1262Ala; replaces valine 1262 with alanine.
Molecular consequence: missense variant.
Genome position (GRCh38, 1-based): chr7:47,874,010, A>G on the plus strand (T>C on the coding strand, the complement: PKD1L1 is on the minus strand). VCF-style: chr7-47874010-A-G. GRCh37 (hg19) VCF-style: chr7-47913608-A-G.
Other names: short protein forms V1262A.
Identifiers: ClinVar variation 2274698 (VCV002274698.4), dbSNP rs766689754, ClinGen allele CA4253303.
Genomic context (GRCh38, chr7:47,874,010, plus strand): 5'-ACCACAGTGCACGGCTGGACCTTGGAGCCTTTGCCATCTGTGATTTCAGTGGAAACCATG[A>G]CTGTGAGGGAACATGTCAGAAGAGGGTCATCTTGGACATGTGGGTTACAGAGATGCTTCT-3'
Protein context (NP_612152.1, residues 1252-1272): PAGEHLDNYK[Val1262Ala]MVSTEITDGK